The following is an entry in ClinVar:

NM_001190274.2(FBXO11):c.2728G>T (p.Asp910Tyr)

Genes: FBXO11 (F-box protein 11; minus strand), MSH6 (mutS homolog 6; plus strand). Cytogenetic location: 2p16.3.
Variant type: single nucleotide variant.
Coding change: c.2728G>T on transcript NM_001190274.2 (MANE Select); coding-DNA position 2728, G replaced by T.
Protein change: p.Asp910Tyr; replaces aspartic acid 910 with tyrosine.
Molecular consequence: missense variant. On other transcripts: intron variant (6).
Genome position (GRCh38, 1-based): chr2:47,808,174, C>A on the plus strand (G>T on the coding strand, the complement: FBXO11 is on the minus strand). VCF-style: chr2-47808174-C-A. GRCh37 (hg19) VCF-style: chr2-48035313-C-A.
Other names: c.2476G>T, p.Asp826Tyr (NM_001374325.1, NM_025133.4); c.*43+1271C>A (NM_001406809.1); c.*40+1274C>A (NM_001406796.1, NM_001406811.1, NM_001406805.1 and 2 more transcripts); short protein forms D826Y, D910Y.
Identifiers: ClinVar variation 2577348 (VCV002577348.1), dbSNP rs2104610803, ClinGen allele CA346761914.

ClinVar aggregate classification (germline): Likely pathogenic (1 of 4 stars; one submission).

Conditions:
Intellectual developmental disorder with dysmorphic facies and behavioral abnormalities. Identifiers: MedGen C4748135, MONDO:0060760, OMIM 618089.

Submission:

Women's Health and Genetics/Laboratory Corporation of America, LabCorp
Classification: Likely pathogenic for Intellectual developmental disorder with dysmorphic facies and behavioral abnormalities. Last evaluated: 2023-07-28. Review status: criteria provided, single submitter. Criteria: LabCorp Variant Classification Summary - May 2015. Collection method: clinical testing. Allele origin: germline.
Comment: Variant summary: FBXO11 c.2728G>T (p.Asp910Tyr) results in a non-conservative amino acid change in the encoded protein sequence. Three of four in-silico tools predict a damaging effect of the variant on protein function. The variant was absent in 250782 control chromosomes. To our knowledge, no occurrence of c.2728G>T in individuals affected with Intellectual Developmental Disorder With Dysmorphic Facies And Behavioral Abnormalities and no experimental evidence demonstrating its impact on protein function have been reported. However, this variant has been observed as a de-novo occurrence in at-least one individual affected with features of this disorder in a trio based exome analysis performed at our laboratory. Additionally, at-least one different variant, c.2729A>G (p.Asp910Gly) that affects the same codon but results in a different amino acid change has been reported with a pathogenic/Likely pathogenic classification and a de-novo occurrence among multiple submitters in the ClinVar database, supporting the critical relevance of this amino acid to function. Furthermore, de-novo variants in FBXO11 have been reported to be associated with intellectual disability and behavioural abnormalities (PMID: 29796876). No submitters have cited clinical-significance assessments for this variant to ClinVar after 2014. Based on the evidence outlined above, the variant was classified as likely pathogenic.